The following is an entry in ClinVar:

ClinVar aggregate classification (germline): Pathogenic (1 of 4 stars; one submission).

Submission:

ISCA Site 6
Classification: Pathogenic. Last evaluated: 2011-08-12. Review status: criteria provided, single submitter. Criteria: Kaminsky et al. (Genet Med. 2011). Collection method: clinical testing. Allele origin: unknown. Affected: yes. Observed: 2 variant alleles.
Comment: Copy number variation identified through the course of routine clinical cytogenomic testing in postnatal populations. Clinical assertions have been curated as described in Kaminsky et al. 2011.

GRCh37/hg19 17q12(chr17:34899836-36224189)x1

Genes: AATF (apoptosis antagonizing transcription factor; plus strand), ACACA (acetyl-CoA carboxylase alpha; minus strand), C17orf78 (chromosome 17 open reading frame 78; plus strand), DDX52 (DExD-box helicase 52; minus strand), DHRS11 (dehydrogenase/reductase 11; plus strand) and 26 more. Cytogenetic location: 17q12.
Variant type: copy number loss.
Change: copy number 1 (one copy instead of two) of chr17:34,899,836-36,224,189 (1.32 Mb, GRCh37 coordinates, 1-based), cytogenetic band 17q12.
Identifiers: ClinVar variation 60477 (VCV000060477.2).